The following is an entry in ClinVar:

ClinVar aggregate classification (germline): Uncertain significance (0 of 4 stars; one submission).

Conditions:
HOXA13-related disorder. Also called: HOXA13-related condition.

Allele frequency attached by ClinVar (database versions not stated): ExAC 0.00001.
gnomAD v4.1: 1 of 1,613,886 alleles (0.000062%); no homozygotes.

Submission:

PreventionGenetics, part of Exact Sciences
Classification: Uncertain significance for HOXA13-related condition. Last evaluated: 2024-05-28. Review status: no assertion criteria provided. Collection method: clinical testing. Allele origin: germline.
Comment: The HOXA13 c.652G>A variant is predicted to result in the amino acid substitution p.Ala218Thr. To our knowledge, this variant has not been reported in the literature or in any of the major ethnicities listed in a large population database. At this time, the clinical significance of this variant is uncertain due to the absence of conclusive functional and genetic evidence.

NM_000522.5(HOXA13):c.652G>A (p.Ala218Thr)

Genes: HOXA13 (homeobox A13; minus strand), LOC107126288 (NUP98-HOXA13 recombination region; plus strand). Cytogenetic location: 7p15.2.
Variant type: single nucleotide variant.
Coding change: c.652G>A on transcript NM_000522.5 (MANE Select); coding-DNA position 652, G replaced by A.
Protein change: p.Ala218Thr; replaces alanine 218 with threonine.
Molecular consequence: missense variant.
Genome position (GRCh38, 1-based): chr7:27,199,426, C>T on the plus strand (G>A on the coding strand, the complement: HOXA13 is on the minus strand). VCF-style: chr7-27199426-C-T. GRCh37 (hg19) VCF-style: chr7-27239045-C-T.
Other names: short protein forms A218T.
Identifiers: ClinVar variation 2634941 (VCV002634941.2), dbSNP rs748814782, ClinGen allele CA4198641.
Genomic context (GRCh38, chr7:27,199,426, plus strand): 5'-CGGCTGCGTAGCCCTGGTGGTAGAAGGCGAACTCCTTAGCGCGGGAGCTGAACTCCTCGG[C>T]AGCTGGGCCGGCGGTATCCATGTACTTGTCCGCGAAGGCGGCGGCGGCGGCGGCCGAGGC-3'
Protein context (NP_000513.2, residues 208-228): DKYMDTAGPA[Ala218Thr]EEFSSRAKEF